The following is an entry in ClinVar:

NM_001429.4(EP300):c.4826_4833dup (p.Ile1612fs)

Gene: EP300 (EP300 lysine acetyltransferase; plus strand). Cytogenetic location: 22q13.2.
Variant type: Duplication.
Coding change: c.4826_4833dup on transcript NM_001429.4 (MANE Select); coding-DNA positions 4826 to 4833, 8 bases duplicated (TGCCTCCC; older notation c.4826_4833dupTGCCTCCC).
Protein change: p.Ile1612fs; shifts the reading frame from isoleucine 1612.
Molecular consequence: frameshift variant.
Genome position (GRCh38, 1-based): chr22:41,176,293-41,176,300, TGCCTCCC duplicated; duplicating any 8 consecutive bases within chr22:41,176,288-41,176,300 gives the same sequence; the c. name uses the placement nearest the transcript's 3' end. VCF-style (leftmost placement, unchanged base first): chr22-41176287-A-ACTCCCTGC. GRCh37 (hg19) VCF-style: chr22-41572291-A-ACTCCCTGC.
Other names: c.4748_4755dup, p.Ile1586fs (NM_001362843.2); short protein forms I1612fs, I1586fs.
Identifiers: ClinVar variation 1427007 (VCV001427007.6), dbSNP rs2145512343, ClinGen allele CA2573158207.

ClinVar aggregate classification (germline): Pathogenic (1 of 4 stars; one submission).

Conditions:
Rubinstein-Taybi syndrome due to EP300 haploinsufficiency. Also called: EP300-Related Rubinstein-Taybi Syndrome; RUBINSTEIN-TAYBI SYNDROME 2. Identifiers: Orphanet 353284, Orphanet 783, MedGen C3150941, MONDO:0013364, OMIM 613684.

Submission:

Labcorp Genetics (formerly Invitae), Labcorp
Classification: Pathogenic for Rubinstein-Taybi syndrome due to EP300 haploinsufficiency. Last evaluated: 2021-09-13. Review status: criteria provided, single submitter. Criteria: Invitae Variant Classification Sherloc (09022015). Collection method: clinical testing. Allele origin: germline.
Comment: For these reasons, this variant has been classified as Pathogenic. This variant has not been reported in the literature in individuals affected with EP300-related conditions. This sequence change creates a premature translational stop signal (p.Ile1612Cysfs*15) in the EP300 gene. It is expected to result in an absent or disrupted protein product. Loss-of-function variants in EP300 are known to be pathogenic (PMID: 15706485, 24476420). This variant is not present in population databases (ExAC no frequency).

Literature cited by the submitters: PubMed 15706485; PubMed 24476420.